The following is an entry in ClinVar:

ClinVar aggregate classification (germline): Pathogenic. Review status: reviewed by expert panel (3 of 4 stars). 4 submissions from 4 submitters: Pathogenic (1). 3 of the submissions do not count toward it. Last evaluated 2016-10-18.

Conditions:
Hereditary cancer-predisposing syndrome. Also called: Hereditary Cancer Syndrome; Neoplastic Syndromes, Hereditary; Hereditary neoplastic syndrome; Tumor predisposition. Identifiers: Orphanet 140162, MedGen C0027672, MeSH D009386, MONDO:0015356.
Hereditary breast ovarian cancer syndrome. Also called: Hereditary breast and ovarian cancer syndrome (HBOC); Breast and ovarian cancer; Hereditary breast and ovarian cancer syndrome; Hereditary breast and ovarian cancer; BRCA1- and BRCA2-Associated Hereditary Breast and Ovarian Cancer; Hereditary breast and/or ovarian cancer syndrome. Identifiers: Orphanet 145, MedGen C0677776, MeSH D061325, MONDO:0003582. Disease mechanism: loss of function.
Breast-ovarian cancer, familial, susceptibility to, 1 (BROVCA1). Also called: BRCA1 Hereditary Breast and Ovarian Cancer; OVARIAN CANCER, SUSCEPTIBILITY TO. Identifiers: Orphanet 145, MedGen C2676676, MONDO:0011450, OMIM 604370. Disease mechanism: loss of function.

Submissions (4):

Evidence-based Network for the Interpretation of Germline Mutant Alleles (ENIGMA)
Classification: Pathogenic for Breast-ovarian cancer, familial, susceptibility to, 1. Last evaluated: 2016-10-18. Review status: reviewed by expert panel. Criteria: ENIGMA BRCA1/2 Classification Criteria (2015). Collection method: curation. Allele origin: germline.
Comment: Variant allele predicted to encode a truncated non-functional protein.

Labcorp Genetics (formerly Invitae), Labcorp
Classification: Pathogenic for Hereditary breast ovarian cancer syndrome. Last evaluated: 2021-11-06. Review status: criteria provided, single submitter. Criteria: Invitae Variant Classification Sherloc (09022015). Collection method: clinical testing. Allele origin: germline. Not counted in ClinVar's aggregate classification.
Comment: For these reasons, this variant has been classified as Pathogenic. ClinVar contains an entry for this variant (Variation ID: 266324). This variant has not been reported in the literature in individuals affected with BRCA1-related conditions. This variant is not present in population databases (gnomAD no frequency). This sequence change creates a premature translational stop signal (p.Thr992Leufs*8) in the BRCA1 gene. It is expected to result in an absent or disrupted protein product. Loss-of-function variants in BRCA1 are known to be pathogenic (PMID: 20104584).

Ambry Genetics
Classification: Pathogenic for Hereditary cancer-predisposing syndrome. Last evaluated: 2020-10-09. Review status: criteria provided, single submitter. Criteria: Ambry Variant Classification Scheme 2023. Collection method: clinical testing. Allele origin: germline. Not counted in ClinVar's aggregate classification.
Comment: The c.2970delT pathogenic mutation, located in coding exon 9 of the BRCA1 gene, results from a deletion of one nucleotide at nucleotide position 2970, causing a translational frameshift with a predicted alternate stop codon (p.T992Lfs*8). This alteration is expected to result in loss of function by premature protein truncation or nonsense-mediated mRNA decay. As such, this alteration is interpreted as a disease-causing mutation.

Consortium of Investigators of Modifiers of BRCA1/2 (CIMBA), c/o University of Cambridge
Classification: Pathogenic for Breast-ovarian cancer, familial, susceptibility to, 1. Last evaluated: 2015-10-02. Review status: criteria provided, single submitter. Criteria: CIMBA Mutation Classification guidelines May 2016. Collection method: clinical testing. Allele origin: germline. Not counted in ClinVar's aggregate classification.

Literature cited by the submitters: PubMed 20104584 (cited by Labcorp Genetics (formerly Invitae), Labcorp).

NM_007294.4(BRCA1):c.2970del (p.Thr992fs)

Gene: BRCA1 (BRCA1 DNA repair associated; minus strand). Cytogenetic location: 17q21.31.
Variant type: Deletion.
Coding change: c.2970del on transcript NM_007294.4 (MANE Select); coding-DNA position 2970, one base deleted (T; older notation c.2970delT).
Protein change: p.Thr992fs; shifts the reading frame from threonine 992.
Molecular consequence: frameshift variant. On other transcripts: intron variant (137).
Genome position (GRCh38, 1-based): chr17:43,092,561, A deleted on the plus strand (T on the coding strand, the reverse complement: BRCA1 is on the minus strand); the first of 2 consecutive A bases (chr17:43,092,561-43,092,562); deleting either gives the same sequence. VCF-style (leftmost placement, unchanged base first): chr17-43092560-TA-T. GRCh37 (hg19) VCF-style: chr17-41244577-TA-T.
Other names: 3089delT; c.2970delT (NM_007294.3); c.2760del, p.Thr922fs (NM_001407910.1, NM_001407879.1, NM_001407881.1 and 13 more transcripts); c.2757del, p.Thr921fs (NM_001407915.1, NM_001407916.1, NM_001407917.1 and 9 more transcripts); c.2847del, p.Thr951fs (NM_001407919.1, NM_001407937.1, NM_001407938.1 and 19 more transcripts); c.2706del, p.Thr904fs (NM_001407920.1, NM_001407921.1, NM_001407922.1 and 9 more transcripts); c.2703del, p.Thr903fs (NM_001407930.1, NM_001407931.1, NM_001407932.1 and 2 more transcripts); c.2844del, p.Thr950fs (NM_001407940.1, NM_001407941.1, NM_001407649.1 and 11 more transcripts); and 44 more; short protein forms T945fs, T992fs, T865fs, T903fs, T904fs, T922fs, T989fs, T696fs.
Identifiers: ClinVar variation 266324 (VCV000266324.12), dbSNP rs886040089, ClinGen allele CA10589792.